The following is an entry in ClinVar:

NM_001854.4(COL11A1):c.1808A>G (p.Asp603Gly)

Gene: COL11A1 (collagen type XI alpha 1 chain; minus strand). Cytogenetic location: 1p21.1.
Variant type: single nucleotide variant.
Coding change: c.1808A>G on transcript NM_001854.4 (MANE Select); coding-DNA position 1808, A replaced by G.
Protein change: p.Asp603Gly; replaces aspartic acid 603 with glycine.
Molecular consequence: missense variant. On other transcripts: non-coding transcript variant (1).
Genome position (GRCh38, 1-based): chr1:103,005,875, T>C on the plus strand (A>G on the coding strand, the complement: COL11A1 is on the minus strand). VCF-style: chr1-103005875-T-C. GRCh37 (hg19) VCF-style: chr1-103471431-T-C.
Other names: c.1460A>G, p.Asp487Gly (NM_001168249.1, NM_080630.4); c.1691A>G, p.Asp564Gly (NM_001190709.2); c.1844A>G, p.Asp615Gly (NM_080629.3); short protein forms D615G, D564G, D487G, D603G.
Identifiers: ClinVar variation 2767253 (VCV002767253.3), dbSNP rs2525401688, ClinGen allele CA341173537.
Genomic context (GRCh38, chr1:103,005,875, plus strand): 5'-AAAAAGGAATAGATGTATCTTACCCTGTGACCTTTGTCACCTGGCAGACCCGGAAGTCCA[T>C]CAAACCCTCGATCTCCCTGTAAAACCATCATCATCATCATCATCATCATCATCATCACAA-3'
Protein context (NP_001845.3, residues 593-613): EPGAKGDRGF[Asp603Gly]GLPGLPGDKG

ClinVar aggregate classification (germline): Uncertain significance (1 of 4 stars; one submission).

Submission:

Labcorp Genetics (formerly Invitae), Labcorp
Classification: Uncertain significance. Last evaluated: 2023-10-09. Review status: criteria provided, single submitter. Criteria: Invitae Variant Classification Sherloc (09022015). Collection method: clinical testing. Allele origin: germline.
Comment: This sequence change replaces aspartic acid, which is acidic and polar, with glycine, which is neutral and non-polar, at codon 603 of the COL11A1 protein (p.Asp603Gly). This variant is not present in population databases (gnomAD no frequency). This variant has not been reported in the literature in individuals affected with COL11A1-related conditions. Advanced modeling of protein sequence and biophysical properties (such as structural, functional, and spatial information, amino acid conservation, physicochemical variation, residue mobility, and thermodynamic stability) has been performed at Invitae for this missense variant, however the output from this modeling did not meet the statistical confidence thresholds required to predict the impact of this variant on COL11A1 protein function. In summary, the available evidence is currently insufficient to determine the role of this variant in disease. Therefore, it has been classified as a Variant of Uncertain Significance.